The following is an entry in ClinVar:

ClinVar aggregate classification (germline): Benign (1 of 4 stars; one submission).

gnomAD v4.1: 342 of 398,600 alleles (0.086%); highest among the groups gnomAD compares: East Asian, 1.1%; 4 homozygotes.

Submission:

CeGaT Center for Human Genetics Tuebingen
Classification: Benign. Last evaluated: 2025-12-01. Review status: criteria provided, single submitter. Criteria: CeGaT Center For Human Genetics Tuebingen Variant Classification Criteria Version 2. Collection method: clinical testing. Allele origin: germline. Affected: yes. Observed: 1 variant allele.
Comment: KCNQ1OT1: BS1, BS2

NM_000218.3(KCNQ1):c.1393+24743T>C

Genes: KCNQ1 (potassium voltage-gated channel subfamily Q member 1; plus strand), KCNQ1OT1 (KCNQ1 opposite strand/antisense transcript 1; minus strand). Cytogenetic location: 11p15.5.
Variant type: single nucleotide variant.
Coding change: c.1393+24743T>C on transcript NM_000218.3 (MANE Select); 24743 bases into the intron after coding-DNA position 1393, T replaced by C.
Molecular consequence: intron variant. On other transcripts: non-coding transcript variant (1).
Genome position (GRCh38, 1-based): chr11:2,613,597, T>C. VCF-style: chr11-2613597-T-C. GRCh37 (hg19) VCF-style: chr11-2634827-T-C.
Other names: c.1123+24743T>C (NM_001406837.1); c.1297+24743T>C (NM_001406836.1); c.853+24743T>C (NM_001406838.1); c.1012+24743T>C (NM_181798.2).
Identifiers: ClinVar variation 4534545 (VCV004534545.6).